The following is an entry in ClinVar:

ClinVar aggregate classification (germline): Uncertain significance (1 of 4 stars; one submission).

Conditions:
Multiple endocrine neoplasia, type 1 (MEN1). Also called: Endocrine adenomatosis multiple; MEN 1; MEN I; WERMER SYNDROME; MEA I. Identifiers: Orphanet 652, MedGen C0025267, MeSH D018761, MONDO:0007540, OMIM 131100.

Submission:

Labcorp Genetics (formerly Invitae), Labcorp
Classification: Uncertain significance for Multiple endocrine neoplasia, type 1. Last evaluated: 2018-12-24. Review status: criteria provided, single submitter. Criteria: Invitae Variant Classification Sherloc (09022015). Collection method: clinical testing. Allele origin: germline.
Comment: This variant has not been reported in the literature in individuals with MEN1-related conditions. This sequence change replaces leucine with valine at codon 177 of the MEN1 protein (p.Leu177Val). The leucine residue is highly conserved and there is a small physicochemical difference between leucine and valine. This variant is not present in population databases (ExAC no frequency). Algorithms developed to predict the effect of missense changes on protein structure and function are either unavailable or do not agree on the potential impact of this missense change (SIFT: "Tolerated"; PolyPhen-2: "Possibly Damaging"; Align-GVGD: "Class C0"). In summary, the available evidence is currently insufficient to determine the role of this variant in disease. Therefore, it has been classified as a Variant of Uncertain Significance.

NM_001370259.2(MEN1):c.529C>G (p.Leu177Val)

Gene: MEN1 (menin 1; minus strand). Cytogenetic location: 11q13.1.
Variant type: single nucleotide variant.
Coding change: c.529C>G on transcript NM_001370259.2 (MANE Select); coding-DNA position 529, C replaced by G.
Protein change: p.Leu177Val; replaces leucine 177 with valine.
Molecular consequence: missense variant.
Genome position (GRCh38, 1-based): chr11:64,808,016, G>C on the plus strand (C>G on the coding strand, the complement: MEN1 is on the minus strand). VCF-style: chr11-64808016-G-C. GRCh37 (hg19) VCF-style: chr11-64575488-G-C.
Other names: c.544C>G, p.Leu182Val (NM_000244.4, NM_130800.3, NM_130801.3 and 3 more transcripts); c.529C>G, p.Leu177Val (NM_001370251.2, NM_001370260.2, NM_001370261.2 and 3 more transcripts); short protein forms L177V, L182V.
Identifiers: ClinVar variation 656639 (VCV000656639.8), dbSNP rs865919253, ClinGen allele CA381185929.